The following is an entry in ClinVar:

NM_015570.4(AUTS2):c.2548A>G (p.Arg850Gly)

Gene: AUTS2 (activator of transcription and developmental regulator AUTS2; plus strand). Cytogenetic location: 7q11.22.
Variant type: single nucleotide variant.
Coding change: c.2548A>G on transcript NM_015570.4 (MANE Select); coding-DNA position 2548, A replaced by G.
Protein change: p.Arg850Gly; replaces arginine 850 with glycine.
Molecular consequence: missense variant.
Genome position (GRCh38, 1-based): chr7:70,789,764, A>G. VCF-style: chr7-70789764-A-G. GRCh37 (hg19) VCF-style: chr7-70254750-A-G.
Other names: c.2476A>G, p.Arg826Gly (NM_001127231.3); short protein forms R826G, R850G.
Identifiers: ClinVar variation 3360873 (VCV003360873.2).

ClinVar aggregate classification (germline): Uncertain significance. Review status: criteria provided, multiple submitters, no conflicts (2 of 4 stars). 2 submissions from 2 submitters: Uncertain significance (2). Last evaluated 2025-08-15.

Conditions:
Inborn genetic diseases. Identifiers: MedGen C0950123, MeSH D030342.

gnomAD v4.1: 3 of 1,612,800 alleles (0.00019%); highest among the groups gnomAD compares: Admixed American, 0.0017%; no homozygotes.

Submissions (2):

Ambry Genetics
Classification: Uncertain significance for Inborn genetic diseases. Last evaluated: 2025-08-15. Review status: criteria provided, single submitter. Criteria: Ambry Variant Classification Scheme 2023. Collection method: clinical testing. Allele origin: germline.

GeneDx
Classification: Uncertain significance. Last evaluated: 2023-07-06. Review status: criteria provided, single submitter. Criteria: GeneDx Variant Classification Process June 2021. Collection method: clinical testing. Allele origin: germline. Affected: yes.
Comment: In silico analysis supports that this missense variant has a deleterious effect on protein structure/function; Missense variant in a gene in which most reported pathogenic variants are truncating/loss of function; Has not been previously published as pathogenic or benign to our knowledge